The following is an entry in ClinVar:

NM_152564.5(VPS13B):c.7540A>G (p.Asn2514Asp)

Gene: VPS13B (vacuolar protein sorting 13 homolog B; plus strand). Cytogenetic location: 8q22.2.
Variant type: single nucleotide variant.
Coding change: c.7540A>G on transcript NM_152564.5 (MANE Select); coding-DNA position 7540, A replaced by G.
Protein change: p.Asn2514Asp; replaces asparagine 2514 with aspartic acid.
Molecular consequence: missense variant.
Genome position (GRCh38, 1-based): chr8:99,778,792, A>G. VCF-style: chr8-99778792-A-G. GRCh37 (hg19) VCF-style: chr8-100791020-A-G.
Other names: c.7615A>G, p.Asn2539Asp (NM_017890.5); short protein forms N2514D, N2539D.
Identifiers: ClinVar variation 1003915 (VCV001003915.6), dbSNP rs1811867927, ClinGen allele CA371876182.

ClinVar aggregate classification (germline): Uncertain significance (1 of 4 stars; one submission).

Conditions:
Cohen syndrome (COH1). Also called: PEPPER SYNDROME; Cutis verticis gyrata, retinitis pigmentosa, and sensorineural deafness. Identifiers: Orphanet 193, MedGen C0265223, MONDO:0008999, OMIM 216550.

Allele frequency attached by ClinVar (database versions not stated): gnomAD exomes below 0.00001.
gnomAD v4.1: 1 of 1,614,004 alleles (0.000062%); highest among the groups gnomAD compares: Non-Finnish European, 0.000085%; no homozygotes.

Submission:

Labcorp Genetics (formerly Invitae), Labcorp
Classification: Uncertain significance for Cohen syndrome. Last evaluated: 2022-06-13. Review status: criteria provided, single submitter. Criteria: Invitae Variant Classification Sherloc (09022015). Collection method: clinical testing. Allele origin: germline.
Comment: This sequence change replaces asparagine, which is neutral and polar, with aspartic acid, which is acidic and polar, at codon 2539 of the VPS13B protein (p.Asn2539Asp). This variant is not present in population databases (gnomAD no frequency). This variant has not been reported in the literature in individuals affected with VPS13B-related conditions. ClinVar contains an entry for this variant (Variation ID: 1003915). Algorithms developed to predict the effect of missense changes on protein structure and function output the following: SIFT: "Not Available"; PolyPhen-2: "Benign"; Align-GVGD: "Not Available". The aspartic acid amino acid residue is found in multiple mammalian species, which suggests that this missense change does not adversely affect protein function. In summary, the available evidence is currently insufficient to determine the role of this variant in disease. Therefore, it has been classified as a Variant of Uncertain Significance.